The following is an entry in ClinVar:

NM_033004.4(NLRP1):c.3019A>G (p.Thr1007Ala)

Gene: NLRP1 (NLR family pyrin domain containing 1; minus strand). Cytogenetic location: 17p13.2.
Variant type: single nucleotide variant.
Coding change: c.3019A>G on transcript NM_033004.4 (MANE Select); coding-DNA position 3019, A replaced by G.
Protein change: p.Thr1007Ala; replaces threonine 1007 with alanine.
Molecular consequence: missense variant.
Genome position (GRCh38, 1-based): chr17:5,533,930, T>C on the plus strand (A>G on the coding strand, the complement: NLRP1 is on the minus strand). VCF-style: chr17-5533930-T-C. GRCh37 (hg19) VCF-style: chr17-5437250-T-C.
Other names: c.3019A>G, p.Thr1007Ala (NM_001033053.3, NM_014922.5); c.2929A>G, p.Thr977Ala (NM_033006.4, NM_033007.4); short protein forms T977A, T1007A.
Identifiers: ClinVar variation 2030067 (VCV002030067.4), dbSNP rs970326050, ClinGen allele CA287287514.
Genomic context (GRCh38, chr17:5,533,930, plus strand): 5'-GCTCCCAGCCTTGCCCCTTCAAACTACCTGATCCGAGTCTCTGCCGCTTGAGTGAGGATG[T>C]GCTATTACTCATCTCTCCCGTATCCAGGCCCTCAGTAGGGGTCATCACACTTGGTTTCCT-3'
Protein context (NP_127497.1, residues 997-1017): GLDTGEMSNS[Thr1007Ala]SSLKRQRLGS

ClinVar aggregate classification (germline): Uncertain significance (1 of 4 stars; one submission).

Allele frequency attached by ClinVar (database versions not stated): gnomAD exomes below 0.00001.
gnomAD v4.1: 2 of 1,613,284 alleles (0.00012%); highest among the groups gnomAD compares: Non-Finnish European, 0.000085%; no homozygotes.

Submission:

Labcorp Genetics (formerly Invitae), Labcorp
Classification: Uncertain significance. Last evaluated: 2022-02-04. Review status: criteria provided, single submitter. Criteria: Invitae Variant Classification Sherloc (09022015). Collection method: clinical testing. Allele origin: germline.
Comment: In summary, the available evidence is currently insufficient to determine the role of this variant in disease. Therefore, it has been classified as a Variant of Uncertain Significance. Algorithms developed to predict the effect of missense changes on protein structure and function output the following: SIFT: "Tolerated"; PolyPhen-2: "Benign"; Align-GVGD: "Class C0". The alanine amino acid residue is found in multiple mammalian species, which suggests that this missense change does not adversely affect protein function. This variant has not been reported in the literature in individuals affected with NLRP1-related conditions. This variant is not present in population databases (gnomAD no frequency). This sequence change replaces threonine, which is neutral and polar, with alanine, which is neutral and non-polar, at codon 1007 of the NLRP1 protein (p.Thr1007Ala).